The following is an entry in ClinVar:

ClinVar aggregate classification (germline): Likely benign. Review status: criteria provided, multiple submitters, no conflicts (2 of 4 stars). 2 submissions from 2 submitters: Likely benign (2). Last evaluated 2026-02-10.

Conditions:
Hereditary cancer-predisposing syndrome. Also called: Hereditary Cancer Syndrome; Neoplastic Syndromes, Hereditary; Tumor predisposition; Hereditary neoplastic syndrome. Identifiers: Orphanet 140162, MedGen C0027672, MeSH D009386, MONDO:0015356.

Submissions (2):

Ambry Genetics
Classification: Likely benign for Hereditary cancer-predisposing syndrome. Last evaluated: 2026-02-10. Review status: criteria provided, single submitter. Criteria: Ambry Variant Classification Scheme 2023. Collection method: clinical testing. Allele origin: germline.

CeGaT Center for Human Genetics Tuebingen
Classification: Likely benign. Last evaluated: 2025-08-01. Review status: criteria provided, single submitter. Criteria: CeGaT Center For Human Genetics Tuebingen Variant Classification Criteria Version 2. Collection method: clinical testing. Allele origin: germline. Affected: yes. Observed: 1 variant allele.
Comment: DICER1: PM2:Supporting, BP4, BP7

NM_177438.3(DICER1):c.4137T>C (p.Asn1379=)

Gene: DICER1 (dicer 1, ribonuclease III; minus strand). Cytogenetic location: 14q32.13.
Variant type: single nucleotide variant.
Coding change: c.4137T>C on transcript NM_177438.3 (MANE Select); coding-DNA position 4137, T replaced by C.
Protein change: p.Asn1379=; no amino-acid change (asparagine 1379 retained).
Molecular consequence: synonymous variant. On other transcripts: non-coding transcript variant (6).
Genome position (GRCh38, 1-based): chr14:95,099,849, A>G on the plus strand (T>C on the coding strand, the complement: DICER1 is on the minus strand). VCF-style: chr14-95099849-A-G. GRCh37 (hg19) VCF-style: chr14-95566186-A-G.
Other names: c.4137T>C, p.Asn1379= (NM_001195573.1, NM_001271282.3, NM_001291628.2 and 12 more transcripts); c.3855T>C, p.Asn1285= (NM_001395686.1); c.3732T>C, p.Asn1244= (NM_001395687.1, NM_001395688.1, NM_001395689.1 and 2 more transcripts); c.3570T>C, p.Asn1190= (NM_001395691.1); c.2454T>C, p.Asn818= (NM_001395697.1).
Identifiers: ClinVar variation 4085753 (VCV004085753.8).
Genomic context (GRCh38, chr14:95,099,849, plus strand): 5'-TTTTTCCCATTTATCTGTGTTGCTTTTGTCTTGATTTACTACATAACCAGGAGGAAGCCA[A>G]TTCACAGGGGGATCAAATATTGACACCACCATGCGGCTGGGTAGTCCCTTCTTTTTTCCA-3'
Protein context (NP_803187.1, residues 1369-1389): MVVSIFDPPV[Asn1379=]WLPPGYVVNQ